The following is an entry in ClinVar:

NM_001232.4(CASQ2):c.109C>T (p.Leu37Phe)

Gene: CASQ2 (calsequestrin 2; minus strand). Cytogenetic location: 1p13.1.
Variant type: single nucleotide variant.
Coding change: c.109C>T on transcript NM_001232.4 (MANE Select); coding-DNA position 109, C replaced by T.
Protein change: p.Leu37Phe; replaces leucine 37 with phenylalanine.
Molecular consequence: missense variant.
Genome position (GRCh38, 1-based): chr1:115,768,433, G>A on the plus strand (C>T on the coding strand, the complement: CASQ2 is on the minus strand). VCF-style: chr1-115768433-G-A. GRCh37 (hg19) VCF-style: chr1-116311054-G-A.
Other names: short protein forms L37F.
Identifiers: ClinVar variation 3263473 (VCV003263473.1).

ClinVar aggregate classification (germline): Uncertain significance (1 of 4 stars; one submission).

Conditions:
Cardiovascular phenotype. Identifiers: MedGen CN230736.

gnomAD v4.1: 4 of 1,613,732 alleles (0.00025%); highest among the groups gnomAD compares: Non-Finnish European, 0.00034%; no homozygotes.

Submission:

Ambry Genetics
Classification: Uncertain significance for Cardiovascular phenotype. Last evaluated: 2024-06-23. Review status: criteria provided, single submitter. Criteria: Ambry Variant Classification Scheme 2023. Collection method: clinical testing. Allele origin: germline.
Comment: The p.L37F variant (also known as c.109C>T), located in coding exon 1 of the CASQ2 gene, results from a C to T substitution at nucleotide position 109. The leucine at codon 37 is replaced by phenylalanine, an amino acid with highly similar properties. This amino acid position is conserved. In addition, the in silico prediction for this alteration is inconclusive. Based on the available evidence, the clinical significance of this variant remains unclear.